The following is an entry in ClinVar:

ClinVar aggregate classification (germline): Uncertain significance (1 of 4 stars; one submission).

Conditions:
Tumor predisposition syndrome 3 (TPDS3). Also called: LONG TELOMERE SYNDROME, POT1-RELATED; POT1 Tumor Predisposition; Melanoma, cutaneous malignant, susceptibility to, 10; Glioma susceptibility 9. Identifiers: Orphanet 618, MedGen C4014476, MONDO:0014368, OMIM 615848.

Submission:

Labcorp Genetics (formerly Invitae), Labcorp
Classification: Uncertain significance for Tumor predisposition syndrome 3. Last evaluated: 2024-05-20. Review status: criteria provided, single submitter. Criteria: Invitae Variant Classification Sherloc (09022015). Collection method: clinical testing. Allele origin: germline.
Comment: This sequence change replaces serine, which is neutral and polar, with alanine, which is neutral and non-polar, at codon 517 of the POT1 protein (p.Ser517Ala). This variant is not present in population databases (gnomAD no frequency). This variant has not been reported in the literature in individuals affected with POT1-related conditions. An algorithm developed to predict the effect of missense changes on protein structure and function (PolyPhen-2) suggests that this variant is likely to be tolerated. In summary, the available evidence is currently insufficient to determine the role of this variant in disease. Therefore, it has been classified as a Variant of Uncertain Significance.

NM_015450.3(POT1):c.1549T>G (p.Ser517Ala)

Gene: POT1 (protection of telomeres 1; minus strand). Cytogenetic location: 7q31.33.
Variant type: single nucleotide variant.
Coding change: c.1549T>G on transcript NM_015450.3 (MANE Select); coding-DNA position 1549, T replaced by G.
Protein change: p.Ser517Ala; replaces serine 517 with alanine.
Molecular consequence: missense variant. On other transcripts: non-coding transcript variant (2).
Genome position (GRCh38, 1-based): chr7:124,829,299, A>C on the plus strand (T>G on the coding strand, the complement: POT1 is on the minus strand). VCF-style: chr7-124829299-A-C. GRCh37 (hg19) VCF-style: chr7-124469353-A-C.
Other names: c.1156T>G, p.Ser386Ala (NM_001042594.2); short protein forms S517A, S386A.
Identifiers: ClinVar variation 2847613 (VCV002847613.3), dbSNP rs2485352629, ClinGen allele CA369064502.